The following is an entry in ClinVar:

NM_000709.4(BCKDHA):c.392A>G (p.Tyr131Cys)

Gene: BCKDHA (branched chain keto acid dehydrogenase E1 subunit alpha; plus strand). Cytogenetic location: 19q13.2.
Variant type: single nucleotide variant.
Coding change: c.392A>G on transcript NM_000709.4 (MANE Select); coding-DNA position 392, A replaced by G.
Protein change: p.Tyr131Cys; replaces tyrosine 131 with cysteine.
Molecular consequence: missense variant.
Genome position (GRCh38, 1-based): chr19:41,414,065, A>G. VCF-style: chr19-41414065-A-G. GRCh37 (hg19) VCF-style: chr19-41919970-A-G.
Other names: c.392A>G, p.Tyr131Cys (NM_001164783.2); short protein forms Y131C.
Identifiers: ClinVar variation 3902335 (VCV003902335.1).

ClinVar aggregate classification (germline): Uncertain significance (1 of 4 stars; one submission).

Submission:

Women's Health and Genetics/Laboratory Corporation of America, LabCorp
Classification: Uncertain significance. Last evaluated: 2025-05-09. Review status: criteria provided, single submitter. Criteria: LabCorp Variant Classification Summary - May 2015. Collection method: clinical testing. Allele origin: germline.
Comment: Variant summary: BCKDHA c.392A>G (p.Tyr131Cys) results in a non-conservative amino acid change in the encoded protein sequence. Algorithms developed to predict the effect of missense changes on protein structure and function all suggest that this variant is likely to be disruptive. The variant was absent in 250896 control chromosomes (gnomAD). c.392A>G has been observed in individuals affected with Maple Syrup Urine Disease (You_2014, Strauss_2020). These data indicate that the variant may be associated with disease. To our knowledge, no experimental evidence demonstrating an impact on protein function has been reported. The following publications have been ascertained in the context of this evaluation (PMID: 24603436, 31980395). No submitters have cited clinical-significance assessments for this variant to ClinVar. Based on the evidence outlined above, the variant was classified as VUS-possibly pathogenic.

Literature cited by the submitters: PubMed 31980395; PubMed 24603436.